The following is an entry in ClinVar:

NM_000052.7(ATP7A):c.2922C>A (p.Tyr974Ter)

Gene: ATP7A (ATPase copper transporting alpha; plus strand). Cytogenetic location: Xq21.1.
Variant type: single nucleotide variant.
Coding change: c.2922C>A on transcript NM_000052.7 (MANE Select); coding-DNA position 2922, C replaced by A.
Protein change: p.Tyr974Ter; replaces tyrosine 974 with a stop codon.
Molecular consequence: nonsense.
Genome position (GRCh38, 1-based): chrX:78,029,255, C>A. VCF-style: chrX-78029255-C-A. GRCh37 (hg19) VCF-style: chrX-77284752-C-A.
Other names: c.2688C>A, p.Tyr896Ter (NM_001282224.2); short protein forms Y896*, Y974*.
Identifiers: ClinVar variation 4974984 (VCV004974984.2).

ClinVar aggregate classification (germline): Pathogenic/Likely pathogenic. Review status: criteria provided, multiple submitters, no conflicts (2 of 4 stars). 2 submissions from 2 submitters: Pathogenic (1); Likely pathogenic (1). Last evaluated 2026-09-11.

Conditions:
Menkes kinky-hair syndrome (MNK). Also called: Copper transport disease; Menkes Disease; Classic Menkes Disease. Identifiers: Orphanet 565, MedGen C0022716, MONDO:0010651, OMIM 309400.

Submissions (2):

Diagnostics Services (NGS), CSIR - Centre For Cellular And Molecular Biology
Classification: Likely pathogenic for Menkes kinky-hair syndrome. Last evaluated: 2026-09-11. Review status: criteria provided, single submitter. Criteria: ACMG Guidelines, 2015. Collection method: clinical testing. Allele origin: unknown. Affected: yes. Observed: 1 variant allele, 1 mosaic individual.
Comment: The c.2922C>A variant is not present in publicly available population databases like 1000 Genomes, EVS, gnomAD, Indian Exome Database, GenomeIndia database or our internal database. This variant has not been published in the literature for ATP7A-related conditions nor reported to clinical databases like Human Genome Mutation Databases (HGMD), ClinVar or OMIM, in any affected individuals. In-silico pathogenicity prediction programs like MutationTaster2021, CADD, Franklin, Varsome etc., predicted this variant to be likely deleterious. This variant creates a premature translational stop codon at the 974th amino acid position of the wild-type transcript that may either result in translation of a truncated protein or cause nonsense mediated decay of the mRNA.

Myriad Genetics, Inc.
Classification: Pathogenic for Menkes kinky-hair syndrome. Last evaluated: 2023-09-15. Review status: criteria provided, single submitter. Criteria: Myriad Autosomal Dominant, Autosomal Recessive and X-Linked Classification Criteria (2023). Collection method: clinical testing. Allele origin: unknown.
Comment: NM_000052.5(ATP7A):c.2922C>A(Y974*) is expected to be pathogenic in the context of ATP7A-related disorders. This variant is predicted to lead to an abnormal or absent protein product due to the creation of a premature termination codon in ATP7A, a gene where loss-of-function variants are known to be pathogenic. Please note: this variant was assessed in the context of healthy population screening.